The following is an entry in ClinVar:

ClinVar aggregate classification (germline): Likely benign (1 of 4 stars; one submission).

Allele frequency attached by ClinVar (database versions not stated): TOPMed below 0.00001.

Submission:

CeGaT Center for Human Genetics Tuebingen
Classification: Likely benign. Last evaluated: 2024-06-01. Review status: criteria provided, single submitter. Criteria: CeGaT Center For Human Genetics Tuebingen Variant Classification Criteria Version 2. Collection method: clinical testing. Allele origin: germline. Affected: yes. Observed: 1 variant allele.
Comment: GNAS: PM2:Supporting, BP4, BP7

NM_080425.4(GNAS):c.2069-5381G>A

Gene: GNAS (GNAS complex locus; plus strand). Cytogenetic location: 20q13.32.
Variant type: single nucleotide variant.
Coding change: c.2069-5381G>A on transcript NM_080425.4 (MANE Plus Clinical); 5381 bases into the intron before coding-DNA position 2069, G replaced by A.
Molecular consequence: intron variant.
Genome position (GRCh38, 1-based): chr20:58,890,231, G>A. VCF-style: chr20-58890231-G-A. GRCh37 (hg19) VCF-style: chr20-57465286-G-A.
Other names: c.*43-5381G>A (NM_016592.5); c.44-5381G>A (NM_001410912.1); c.-38-5381G>A (NM_001309861.2); c.*1-5381G>A (NM_001077490.3); c.2069-5381G>A (NM_001410913.1); c.*159-5381G>A (NM_001309883.1); c.-39+878G>A (NM_001438273.1, NM_001309840.2); c.-39+899G>A (NM_001439291.1, NM_001438274.1).
Identifiers: ClinVar variation 3251042 (VCV003251042.17), dbSNP rs979103978.
Genomic context (GRCh38, chr20:58,890,231, plus strand): 5'-GGAGAGGAAGAAGATGGAGAAGATGCTGAAGAAGAAGAAGAAGAAGGTGCCAGAAGCCCA[G>A]GAGGAGGCCCGATGCCCCGAGGCCGCCGCCGCCGCGGCCGCCGCCGACGACGACGAGGGC-3'